The following is an entry in ClinVar:

NM_001379200.1(TBX1):c.974G>C (p.Ser325Thr)

Gene: TBX1 (T-box transcription factor 1; plus strand). Cytogenetic location: 22q11.21.
Variant type: single nucleotide variant.
Coding change: c.974G>C on transcript NM_001379200.1 (MANE Select); coding-DNA position 974, G replaced by C.
Protein change: p.Ser325Thr; replaces serine 325 with threonine.
Molecular consequence: missense variant.
Genome position (GRCh38, 1-based): chr22:19,765,940, G>C. VCF-style: chr22-19765940-G-C. GRCh37 (hg19) VCF-style: chr22-19753463-G-C.
Other names: c.947G>C, p.Ser316Thr (NM_005992.1, NM_080646.2, NM_080647.1); short protein forms S316T, S325T.
Identifiers: ClinVar variation 1505958 (VCV001505958.8), dbSNP rs775788782, ClinGen allele CA10102645.

ClinVar aggregate classification (germline): Uncertain significance (1 of 4 stars; one submission).

Conditions:
DiGeorge syndrome. Also called: Catch22; THIRD AND FOURTH PHARYNGEAL POUCH SYNDROME. Identifiers: Orphanet 567, MedGen C0012236, MONDO:0008564, OMIM 188400.

gnomAD v4.1: 22 of 1,524,590 alleles (0.0014%); highest among the groups gnomAD compares: Non-Finnish European, 0.0019%; no homozygotes.

Submission:

Labcorp Genetics (formerly Invitae), Labcorp
Classification: Uncertain significance for DiGeorge syndrome. Last evaluated: 2021-03-25. Review status: criteria provided, single submitter. Criteria: Invitae Variant Classification Sherloc (09022015). Collection method: clinical testing. Allele origin: germline.
Comment: In summary, the available evidence is currently insufficient to determine the role of this variant in disease. Therefore, it has been classified as a Variant of Uncertain Significance. Algorithms developed to predict the effect of missense changes on protein structure and function output the following: SIFT: "Tolerated"; PolyPhen-2: "Benign"; Align-GVGD: "Class C0". The threonine amino acid residue is found in multiple mammalian species, suggesting that this missense change does not adversely affect protein function. These predictions have not been confirmed by published functional studies and their clinical significance is uncertain. This variant has not been reported in the literature in individuals with TBX1-related conditions. The frequency data for this variant in the population databases is considered unreliable, as metrics indicate poor data quality at this position in the ExAC database. This sequence change replaces serine with threonine at codon 316 of the TBX1 protein (p.Ser316Thr). The serine residue is moderately conserved and there is a small physicochemical difference between serine and threonine.